The following is an entry in ClinVar:

NM_000256.3(MYBPC3):c.1574_1580del (p.Tyr525fs)

Gene: MYBPC3 (myosin binding protein C3; minus strand). Cytogenetic location: 11p11.2.
Variant type: Deletion.
Coding change: c.1574_1580del on transcript NM_000256.3 (MANE Select); coding-DNA positions 1574 to 1580, 7 bases deleted (ATGCACT; older notation c.1574_1580delATGCACT).
Protein change: p.Tyr525fs; shifts the reading frame from tyrosine 525.
Molecular consequence: frameshift variant.
Genome position (GRCh38, 1-based): chr11:47,342,622-47,342,628, AGTGCAT deleted on the plus strand (ATGCACT on the coding strand, the reverse complement: MYBPC3 is on the minus strand); deleting any 7 consecutive bases within chr11:47,342,622-47,342,633 gives the same sequence; the c. name uses the placement nearest the transcript's 3' end. VCF-style (leftmost placement, unchanged base first): chr11-47342621-CAGTGCAT-C. GRCh37 (hg19) VCF-style: chr11-47364172-CAGTGCAT-C.
Other names: c.1574_1580delATGCACT (NM_000256.3); short protein forms Y525fs.
Identifiers: ClinVar variation 1343457 (VCV001343457.39), dbSNP rs2142860924, ClinGen allele CA2573053512.
Genomic context (GRCh38, chr11:47,342,621, plus strand): 5'-CCCCCAGCCAGGCTCACCCTGCACAATGAGCTCAGCCAGCGCCTGGCCCCCGCTAGTGCA[CAGTGCAT>C]AGTGCCCCGCGTCCTCCAGCATGGCCTCGTTGATGATCAGGTGGTGTCTCTGCCCGTCCT-3'

ClinVar aggregate classification (germline): Pathogenic/Likely pathogenic. Review status: criteria provided, multiple submitters, no conflicts (2 of 4 stars). 5 submissions from 5 submitters: Pathogenic (3); Likely pathogenic (1). 1 of the submissions does not count toward it. Last evaluated 2023-03-01.

Conditions:
Cardiovascular phenotype. Identifiers: MedGen CN230736.
Cardiomyopathy (CMYO). Also called: Cardiomyopathies. Identifiers: Orphanet 167848, MedGen C0878544, MONDO:0004994, HP:0001638. Inheritance: Various modes of inheritance.
Hypertrophic cardiomyopathy. Also called: HYPERTROPHIC MYOCARDIOPATHY. Identifiers: Orphanet 217569, MedGen C0007194, MeSH D002312, MONDO:0005045, HP:0001639.

Submissions (5):

Labcorp Genetics (formerly Invitae), Labcorp
Classification: Pathogenic for Hypertrophic cardiomyopathy. Last evaluated: 2023-03-01. Review status: criteria provided, single submitter. Criteria: Invitae Variant Classification Sherloc (09022015). Collection method: clinical testing. Allele origin: germline.
Comment: For these reasons, this variant has been classified as Pathogenic. ClinVar contains an entry for this variant (Variation ID: 1343457). This variant has not been reported in the literature in individuals affected with MYBPC3-related conditions. This variant is not present in population databases (gnomAD no frequency). This sequence change creates a premature translational stop signal (p.Tyr525Cysfs*28) in the MYBPC3 gene. It is expected to result in an absent or disrupted protein product. Loss-of-function variants in MYBPC3 are known to be pathogenic (PMID: 19574547).

CeGaT Center for Human Genetics Tuebingen
Classification: Pathogenic. Last evaluated: 2022-09-01. Review status: criteria provided, single submitter. Criteria: CeGaT Center For Human Genetics Tuebingen Variant Classification Criteria Version 2. Collection method: clinical testing. Allele origin: germline. Affected: yes. Observed: 1 variant allele.
Comment: MYBPC3: PVS1, PM2

Women's Health and Genetics/Laboratory Corporation of America, LabCorp
Classification: Likely pathogenic for Cardiomyopathy. Last evaluated: 2022-02-24. Review status: criteria provided, single submitter. Criteria: LabCorp Variant Classification Summary - May 2015. Collection method: clinical testing. Allele origin: germline.
Comment: Variant summary: MYBPC3 c.1574_1580delATGCACT (p.Tyr525CysfsX28) results in a premature termination codon, predicted to cause a truncation of the encoded protein or absence of the protein due to nonsense mediated decay, which are commonly known mechanisms for disease. Truncations downstream of this position have been classified as pathogenic by our laboratory. The variant was absent in 248520 control chromosomes. To our knowledge, no occurrence of c.1574_1580delATGCACT in individuals affected with Cardiomyopathy and no experimental evidence demonstrating its impact on protein function have been reported. No clinical diagnostic laboratories have submitted clinical-significance assessments for this variant to ClinVar after 2014. Based on the evidence outlined above, the variant was classified as likely pathogenic.

Ambry Genetics
Classification: Pathogenic for Cardiovascular phenotype. Last evaluated: 2021-11-04. Review status: criteria provided, single submitter. Criteria: Ambry Variant Classification Scheme 2023. Collection method: clinical testing. Allele origin: germline.
Comment: The c.1574_1580delATGCACT pathogenic mutation, located in coding exon 17 of the MYBPC3 gene, results from a deletion of 7 nucleotides at nucleotide positions 1574 to 1580, causing a translational frameshift with a predicted alternate stop codon (p.Y525Cfs*28). This variant is considered to be rare based on population cohorts in the Genome Aggregation Database (gnomAD). This alteration is expected to result in loss of function by premature protein truncation or nonsense-mediated mRNA decay. As such, this alteration is interpreted as a disease-causing mutation.

Institute of Human Genetics, University of Wuerzburg
Classification: Likely pathogenic for Cardiomyopathy. Review status: no assertion criteria provided. Collection method: clinical testing. Allele origin: unknown. Affected: yes. Observed: 1 variant allele. Not counted in ClinVar's aggregate classification.

Literature cited by the submitters: PubMed 19574547 (cited by Labcorp Genetics (formerly Invitae), Labcorp).